The following is an entry in ClinVar:

ClinVar aggregate classification (germline): Uncertain significance (1 of 4 stars; one submission).

Allele frequency attached by ClinVar (database versions not stated): ExAC 0.00002; gnomAD exomes 0.00002; gnomAD 0.00003; TOPMed 0.00003; ESP Exome Variant Server 0.00008; 1000 Genomes Project 30x 0.00016; 1000 Genomes Project 0.00020.
gnomAD v4.1: 40 of 1,614,044 alleles (0.0025%); highest among the groups gnomAD compares: East Asian, 0.016%; no homozygotes.

Submission:

Labcorp Genetics (formerly Invitae), Labcorp
Classification: Uncertain significance. Last evaluated: 2025-10-24. Review status: criteria provided, single submitter. Criteria: Invitae Variant Classification Sherloc (09022015). Collection method: clinical testing. Allele origin: germline.
Comment: This sequence change replaces aspartic acid, which is acidic and polar, with asparagine, which is neutral and polar, at codon 828 of the DSG1 protein (p.Asp828Asn). This variant is present in population databases (rs3752094, gnomAD 0.01%). This variant has not been reported in the literature in individuals affected with DSG1-related conditions. ClinVar contains an entry for this variant (Variation ID: 1471467). Invitae Evidence Modeling of protein sequence and biophysical properties (such as structural, functional, and spatial information, amino acid conservation, physicochemical variation, residue mobility, and thermodynamic stability) has been performed for this missense variant. However, the output from this modeling did not meet the statistical confidence thresholds required to predict the impact of this variant on DSG1 protein function. In summary, the available evidence is currently insufficient to determine the role of this variant in disease. Therefore, it has been classified as a Variant of Uncertain Significance.

NM_001942.4(DSG1):c.2482G>A (p.Asp828Asn)

Genes: DSG1 (desmoglein 1; plus strand), DSG1-AS1 (DSG1 antisense RNA 1; minus strand), LOC126862720 (MED14-independent group 3 enhancer GRCh37_chr18:28933613-28934812; plus strand). Cytogenetic location: 18q12.1.
Variant type: single nucleotide variant.
Coding change: c.2482G>A on transcript NM_001942.4 (MANE Select); coding-DNA position 2482, G replaced by A.
Protein change: p.Asp828Asn; replaces aspartic acid 828 with asparagine.
Molecular consequence: missense variant.
Genome position (GRCh38, 1-based): chr18:31,354,678, G>A. VCF-style: chr18-31354678-G-A. GRCh37 (hg19) VCF-style: chr18-28934641-G-A.
Other names: short protein forms D828N.
Identifiers: ClinVar variation 1471467 (VCV001471467.10), dbSNP rs3752094, ClinGen allele CA8926372.